The following is an entry in ClinVar:

NM_001953.5(TYMP):c.767T>G (p.Val256Gly)

Gene: TYMP (thymidine phosphorylase; minus strand). Cytogenetic location: 22q13.33.
Variant type: single nucleotide variant.
Coding change: c.767T>G on transcript NM_001953.5 (MANE Select); coding-DNA position 767, T replaced by G.
Protein change: p.Val256Gly; replaces valine 256 with glycine.
Molecular consequence: missense variant.
Genome position (GRCh38, 1-based): chr22:50,526,737, A>C on the plus strand (T>G on the coding strand, the complement: TYMP is on the minus strand). VCF-style: chr22-50526737-A-C. GRCh37 (hg19) VCF-style: chr22-50965166-A-C.
Other names: c.767T>G, p.Val256Gly (NM_001113755.3, NM_001113756.3, NM_001257988.1 and 1 more transcripts); short protein forms V256G.
Identifiers: ClinVar variation 3185246 (VCV003185246.3), dbSNP rs750933965, ClinGen allele CA325561386.
Genomic context (GRCh38, chr22:50,526,737, plus strand): 5'-GGCTTGTCCATGGCGGTCAGCGCTGCCGCGACCCGAAGCCCTAGGCTGGCTCCCACGCCA[A>C]CCTGCGGAGAGGAGGCTCAGCGTGGACCCCCCATGGCGGGGCCTTCTGCAGCCGGTTCTT-3'
Protein context (NP_001944.1, residues 246-266): EQARELAKTL[Val256Gly]GVGASLGLRV

ClinVar aggregate classification (germline): Uncertain significance. Review status: criteria provided, multiple submitters, no conflicts (2 of 4 stars). 2 submissions from 2 submitters: Uncertain significance (2). Last evaluated 2026-03-17.

Conditions:
Mitochondrial DNA depletion syndrome 1. Also called: Mitochondrial neurogastrointestinal encephalomyopathy syndrome; POLIP SYNDROME; POLYNEUROPATHY, OPHTHALMOPLEGIA, LEUKOENCEPHALOPATHY, AND INTESTINAL PSEUDOOBSTRUCTION; Mitochondrial Neurogastrointestinal Encephalopathy Disease; MITOCHONDRIAL NEUROGASTROINTESTINAL ENCEPHALOPATHY SYNDROME, TYMP-RELATED; MNGIE, TYMP-RELATED. Identifiers: Orphanet 298, MedGen C4551995, MONDO:0011283, OMIM 603041.
Inborn genetic diseases. Identifiers: MedGen C0950123, MeSH D030342.

Submissions (2):

Dasa
Classification: Uncertain significance for Mitochondrial DNA depletion syndrome 1. Last evaluated: 2026-03-17. Review status: criteria provided, single submitter. Criteria: DASA Assertion Criteria. Collection method: clinical testing. Allele origin: germline.
Comment: NM_001953.5(TYMP):c.767T>G (p.Val256Gly) is a missense variant that results in the substitution of valine with glycine. This variant has been observed in affected individuals with TYMP-related disorders. Also, this variant is rare in population databases. Computational prediction algorithms are consistent with a deleterious effect. The currently available literature and clinical evidence are not sufficient to establish a definitive association between this variant and the reported condition. Therefore, this variant is classified as a variant of uncertain significance.

Ambry Genetics
Classification: Uncertain significance for Inborn genetic diseases. Last evaluated: 2023-10-03. Review status: criteria provided, single submitter. Criteria: Ambry Variant Classification Scheme 2023. Collection method: clinical testing. Allele origin: germline.